The following is an entry in ClinVar:

ClinVar aggregate classification (germline): Uncertain significance. Review status: criteria provided, multiple submitters, no conflicts (2 of 4 stars). 2 submissions from 2 submitters: Uncertain significance (2). Last evaluated 2024-07-23.

Conditions:
Familial melanoma. Also called: Hereditary melanoma; Hereditary cutaneous melanoma. Identifiers: Orphanet 618, MedGen C1512419, MONDO:0018961.
Hereditary cancer-predisposing syndrome. Also called: Hereditary Cancer Syndrome; Hereditary neoplastic syndrome; Tumor predisposition; Neoplastic Syndromes, Hereditary. Identifiers: Orphanet 140162, MedGen C0027672, MeSH D009386, MONDO:0015356.

Submissions (2):

Labcorp Genetics (formerly Invitae), Labcorp
Classification: Uncertain significance for Familial melanoma. Last evaluated: 2024-07-23. Review status: criteria provided, single submitter. Criteria: Invitae Variant Classification Sherloc (09022015). Collection method: clinical testing. Allele origin: germline.
Comment: The CDKN2A gene encodes two different proteins, p16INK4a and p14ARF, which are translated from alternative transcripts with different open reading frames. Both transcripts have been analyzed. We report either the variant with the higher classification or default to the CDKN2A (p16INK4a) variant. This report therefore includes the details for the CDKN2A (p16INK4a) variant. This sequence change replaces arginine, which is basic and polar, with leucine, which is neutral and non-polar, at codon 107 of the CDKN2A (p16INK4a) protein (p.Arg107Leu). Information on the frequency of this variant in the gnomAD database is not available, as this variant may be reported differently in the database. This variant has not been reported in the literature in individuals affected with CDKN2A (p16INK4a)-related conditions. This variant is also known as c.363_364delinsTT (p.Arg122*) in the CDKN2A (p14ARF) transcript. ClinVar contains an entry for this variant (Variation ID: 1005179). An algorithm developed to predict the effect of missense changes on protein structure and function (PolyPhen-2) suggests that this variant is likely to be tolerated. Experimental studies have shown that this missense change does not substantially affect CDKN2A (p16INK4a) function (PMID: 12606942). In summary, the available evidence is currently insufficient to determine the role of this variant in disease. Therefore, it has been classified as a Variant of Uncertain Significance.

Ambry Genetics
Classification: Uncertain significance for Hereditary cancer-predisposing syndrome. Last evaluated: 2023-10-03. Review status: criteria provided, single submitter. Criteria: Ambry Variant Classification Scheme 2023. Collection method: clinical testing. Allele origin: germline.
Comment: The c.363_364delGCinsTT variant (also known as p.R122*), located in coding exon 2 of the CDKN2A (p14ARF) gene, results from an in-frame deletion of GC and insertion of TT at nucleotide positions 363 to 364. This results in the insertion of a stop codon at codon 122. Premature stop codons are typically deleterious in nature, however, this stop codon occurs at the 3' terminus of CDKN2A , is not expected to trigger nonsense-mediated mRNA decay, and removes only the last 11 amino acids of the p14ARF protein. The exact functional impact of these removed amino acids is unknown at this time. Since supporting evidence is limited at this time, the clinical significance of this alteration remains unclear.

Literature cited by the submitters: PubMed 12606942 (cited by Labcorp Genetics (formerly Invitae), Labcorp).

NM_000077.5(CDKN2A):c.320_321delinsTT (p.Arg107Leu)

Gene: CDKN2A (cyclin dependent kinase inhibitor 2A; minus strand). Cytogenetic location: 9p21.3.
Variant type: Indel.
Coding change: c.320_321delinsTT on transcript NM_000077.5; coding-DNA positions 320 to 321, GC replaced by TT.
Protein change: p.Arg107Leu; replaces arginine 107 with leucine.
Molecular consequence: missense variant (on NM_000077.6). On other transcripts: nonsense (1), 3 prime UTR variant (1).
Genome position (GRCh38, 1-based): chr9:21,971,038-21,971,039, GC replaced by AA on the plus strand (GC replaced by TT on the coding strand, the reverse complement: CDKN2A is on the minus strand). VCF-style: chr9-21971038-GC-AA. GRCh37 (hg19) VCF-style: chr9-21971037-GC-AA.
Other names: c.320_321delGCinsTT, p.Arg107Leu (NM_000077.6); c.320_321delinsTT, p.Arg107Leu (NM_001195132.2); c.167_168delinsTT, p.Arg56Leu (NM_001363763.2); c.363_364delinsTT, p.Arg122Ter (NM_058195.4); c.*243_*244delinsTT (NM_058197.5); short protein forms R107L, R122*, R56L.
Identifiers: ClinVar variation 1005179 (VCV001005179.11), dbSNP rs1819698005, ClinGen allele CA1839161329.